The following is an entry in ClinVar:

ClinVar aggregate classification (germline): Uncertain significance. Review status: criteria provided, multiple submitters, no conflicts (2 of 4 stars). 2 submissions from 2 submitters: Uncertain significance (2). Last evaluated 2026-09-17.

Conditions:
Age related macular degeneration 9. Identifiers: MedGen C1969651, MONDO:0012659, OMIM 611378.
Atypical hemolytic-uremic syndrome with C3 anomaly. Also called: AHUS, SUSCEPTIBILITY TO, 5. Identifiers: Orphanet 2134, MedGen C2752037, MONDO:0013043, OMIM 612925.
Complement component 3 deficiency. Identifiers: Orphanet 280133, MedGen C3151071, MONDO:0013417, OMIM 613779.
C3 glomerulonephritis. Also called: C3 GLOMERULOPATHY 3; Nephropathy due to CFHR5 Deficiency. Identifiers: Orphanet 329931, MedGen C4055342, MONDO:0013892, OMIM 614809.

Submissions (2):

Genomenon, Inc
Classification: Uncertain significance for C3 glomerulonephritis. Last evaluated: 2026-09-17. Review status: criteria provided, single submitter. Criteria: Genomenon Sequence Variant Interpretation Standards - Updated. Collection method: curation. Allele origin: germline. Affected: yes.
Comment: C3 p.Gly924Asp (c.2771G>A) is a missense variant that changes the amino acid at codon 924 from Glycine to Aspartic acid. This variant has been observed in at least one proband affected with C3 glomerulonephritis (PMID:39969315). It is absent or not present at a significant frequency in gnomAD. In conclusion, we classify C3 p.Gly924Asp (c.2771G>A) as a variant of uncertain significance.

Fulgent Genetics
Classification: Uncertain significance for Age related macular degeneration 9; Atypical hemolytic-uremic syndrome with C3 anomaly; Complement component 3 deficiency. Last evaluated: 2024-04-30. Review status: criteria provided, single submitter. Criteria: ACMG Guidelines, 2015. Collection method: clinical testing. Allele origin: germline.

Literature cited by the submitters: PubMed 39969315 (cited by Genomenon, Inc).

NM_000064.4(C3):c.2771G>A (p.Gly924Asp)

Gene: C3 (complement C3; minus strand). Cytogenetic location: 19p13.3.
Variant type: single nucleotide variant.
Coding change: c.2771G>A on transcript NM_000064.4 (MANE Select); coding-DNA position 2771, G replaced by A.
Protein change: p.Gly924Asp; replaces glycine 924 with aspartic acid.
Molecular consequence: missense variant.
Genome position (GRCh38, 1-based): chr19:6,697,369, C>T on the plus strand (G>A on the coding strand, the complement: C3 is on the minus strand). VCF-style: chr19-6697369-C-T. GRCh37 (hg19) VCF-style: chr19-6697380-C-T.
Other names: short protein forms G924D.
Identifiers: ClinVar variation 3584124 (VCV003584124.2).
Genomic context (GRCh38, chr19:6,697,369, plus strand): 5'-AAGGACAAGGGTTTGTGGGTGCCCCAAGCACTCACCACGACCTTCAGGGACTTCCTGACA[C>T]CGTCACTGATGAAATGATGGTAGACAGCAGCCTTGACTTCCACTTCCTGCAGGCCGGTCT-3'
Protein context (NP_000055.2, residues 914-934): AAVYHHFISD[Gly924Asp]VRKSLKVVPE